The following is an entry in ClinVar:

NM_015346.4(ZFYVE26):c.6705A>G (p.Gly2235=)

Gene: ZFYVE26 (zinc finger FYVE-type containing 26; minus strand). Cytogenetic location: 14q24.1.
Variant type: single nucleotide variant.
Coding change: c.6705A>G on transcript NM_015346.4 (MANE Select); coding-DNA position 6705, A replaced by G.
Protein change: p.Gly2235=; no amino-acid change (glycine 2235 retained).
Molecular consequence: synonymous variant.
Genome position (GRCh38, 1-based): chr14:67,756,029, T>C on the plus strand (A>G on the coding strand, the complement: ZFYVE26 is on the minus strand). VCF-style: chr14-67756029-T-C. GRCh37 (hg19) VCF-style: chr14-68222746-T-C.
Identifiers: ClinVar variation 699325 (VCV000699325.12), dbSNP rs1394732167, ClinGen allele CA486764235.

ClinVar aggregate classification (germline): Likely benign. Review status: criteria provided, single submitter (1 of 4 stars). 2 submissions from 2 submitters: Likely benign (1). 1 of the submissions does not count toward it. Last evaluated 2024-03-18.

Conditions:
Spastic paraplegia. Identifiers: MedGen C0037772, HP:0001258.
ZFYVE26-related disorder. Also called: ZFYVE26-related condition.

Allele frequency attached by ClinVar (database versions not stated): gnomAD exomes below 0.00001 and 0.00002; TOPMed 0.00001; gnomAD 0.00002.
gnomAD v4.1: 35 of 1,614,096 alleles (0.0022%); highest among the groups gnomAD compares: Non-Finnish European, 0.003%; no homozygotes.

Submissions (2):

Labcorp Genetics (formerly Invitae), Labcorp
Classification: Likely benign for Spastic paraplegia. Last evaluated: 2024-03-18. Review status: criteria provided, single submitter. Criteria: Invitae Variant Classification Sherloc (09022015). Collection method: clinical testing. Allele origin: germline.

PreventionGenetics, part of Exact Sciences
Classification: Likely benign for ZFYVE26-related condition. Last evaluated: 2019-04-24. Review status: no assertion criteria provided. Collection method: clinical testing. Allele origin: germline. Not counted in ClinVar's aggregate classification.
Comment: This variant is classified as likely benign based on ACMG/AMP sequence variant interpretation guidelines (Richards et al. 2015 PMID: 25741868, with internal and published modifications).